The following is an entry in ClinVar:

NM_000988.5(RPL27):c.233A>G (p.Asn78Ser)

Gene: RPL27 (ribosomal protein L27; plus strand). Cytogenetic location: 17q21.31.
Variant type: single nucleotide variant.
Coding change: c.233A>G on transcript NM_000988.5 (MANE Select); coding-DNA position 233, A replaced by G.
Protein change: p.Asn78Ser; replaces asparagine 78 with serine.
Molecular consequence: missense variant.
Genome position (GRCh38, 1-based): chr17:43,000,084, A>G. VCF-style: chr17-43000084-A-G. GRCh37 (hg19) VCF-style: chr17-41152101-A-G.
Other names: c.233A>G, p.Asn78Ser (NM_001349921.2, NM_001349922.2); c.233A>G (NM_000988.3); short protein forms N78S.
Identifiers: ClinVar variation 3626273 (VCV003626273.3).

ClinVar aggregate classification (germline): Uncertain significance. Review status: criteria provided, multiple submitters, no conflicts (2 of 4 stars). 2 submissions from 2 submitters: Uncertain significance (2). Last evaluated 2025-10-30.

gnomAD v4.1: 8 of 1,612,440 alleles (0.0005%); highest among the groups gnomAD compares: Non-Finnish European, 0.00068%; no homozygotes.

Submissions (2):

Ambry Genetics
Classification: Uncertain significance. Last evaluated: 2025-10-30. Review status: criteria provided, single submitter. Criteria: Ambry Variant Classification Scheme 2023. Collection method: clinical testing. Allele origin: germline.

Labcorp Genetics (formerly Invitae), Labcorp
Classification: Uncertain significance. Last evaluated: 2024-03-21. Review status: criteria provided, single submitter. Criteria: Invitae Variant Classification Sherloc (09022015). Collection method: clinical testing. Allele origin: germline.
Comment: This sequence change replaces asparagine, which is neutral and polar, with serine, which is neutral and polar, at codon 78 of the RPL27 protein (p.Asn78Ser). This variant is present in population databases (no rsID available, gnomAD 0.0009%). This variant has not been reported in the literature in individuals affected with RPL27-related conditions. An algorithm developed to predict the effect of missense changes on protein structure and function (PolyPhen-2) suggests that this variant is likely to be tolerated. In summary, the available evidence is currently insufficient to determine the role of this variant in disease. Therefore, it has been classified as a Variant of Uncertain Significance.